The following is an entry in ClinVar:

ClinVar aggregate classification (germline): Uncertain significance (1 of 4 stars; one submission).

Conditions:
Inborn genetic diseases. Identifiers: MedGen C0950123, MeSH D030342.

Allele frequency attached by ClinVar (database versions not stated): TOPMed below 0.00001; ExAC 0.00001.

Submission:

Ambry Genetics
Classification: Uncertain significance for Inborn genetic diseases. Last evaluated: 2021-07-23. Review status: criteria provided, single submitter. Criteria: Ambry Variant Classification Scheme 2023. Collection method: clinical testing. Allele origin: germline.
Comment: The p.R26Q variant (also known as c.77G>A), located in coding exon 2 of the ERCC2 gene, results from a G to A substitution at nucleotide position 77. The arginine at codon 26 is replaced by glutamine, an amino acid with highly similar properties. This amino acid position is conserved. In addition, this alteration is predicted to be tolerated by in silico analysis. Since supporting evidence is limited at this time, the clinical significance of this alteration remains unclear.

NM_000400.4(ERCC2):c.77G>A (p.Arg26Gln)

Gene: ERCC2 (ERCC excision repair 2, TFIIH core complex helicase subunit; minus strand). Cytogenetic location: 19q13.32.
Variant type: single nucleotide variant.
Coding change: c.77G>A on transcript NM_000400.4 (MANE Select); coding-DNA position 77, G replaced by A.
Protein change: p.Arg26Gln; replaces arginine 26 with glutamine.
Molecular consequence: missense variant.
Genome position (GRCh38, 1-based): chr19:45,370,161, C>T on the plus strand (G>A on the coding strand, the complement: ERCC2 is on the minus strand). VCF-style: chr19-45370161-C-T. GRCh37 (hg19) VCF-style: chr19-45873419-C-T.
Other names: c.5G>A, p.Arg2Gln (NM_001130867.2); short protein forms R26Q, R2Q.
Identifiers: ClinVar variation 1760687 (VCV001760687.2), dbSNP rs770507184, ClinGen allele CA9513940.